The following is an entry in ClinVar:

ClinVar aggregate classification (germline): Likely benign. Review status: criteria provided, single submitter (1 of 4 stars). 2 submissions from 2 submitters: Likely benign (1). 1 of the submissions does not count toward it. Last evaluated 2025-01-06.

Conditions:
KCTD7-related disorder. Also called: KCTD7-related condition.
Progressive myoclonic epilepsy type 3. Also called: KCTD7-Related Progressive Myoclonic Epilepsy; EPILEPSY, PROGRESSIVE MYOCLONIC, 3, WITH OR WITHOUT INTRACELLULAR INCLUSIONS; CEROID LIPOFUSCINOSIS, NEURONAL, 14; EPILEPSY, PROGRESSIVE MYOCLONIC, 3, WITHOUT INTRACELLULAR INCLUSIONS. Identifiers: Orphanet 263516, MedGen C2673257, MONDO:0012721, OMIM 611726.

Allele frequency attached by ClinVar (database versions not stated): gnomAD exomes below 0.00001 and 0.00001; TOPMed below 0.00001; ExAC 0.00001; gnomAD 0.00001.
gnomAD v4.1: 5 of 1,614,028 alleles (0.00031%); highest among the groups gnomAD compares: South Asian, 0.0022%; no homozygotes.

Submissions (2):

Labcorp Genetics (formerly Invitae), Labcorp
Classification: Likely benign for Progressive myoclonic epilepsy type 3. Last evaluated: 2025-01-06. Review status: criteria provided, single submitter. Criteria: Invitae Variant Classification Sherloc (09022015). Collection method: clinical testing. Allele origin: germline.

PreventionGenetics, part of Exact Sciences
Classification: Likely benign for KCTD7-related condition. Last evaluated: 2024-08-27. Review status: no assertion criteria provided. Collection method: clinical testing. Allele origin: germline. Not counted in ClinVar's aggregate classification.
Comment: This variant is classified as likely benign based on ACMG/AMP sequence variant interpretation guidelines (Richards et al. 2015 PMID: 25741868, with internal and published modifications).

NM_153033.5(KCTD7):c.258C>T (p.Tyr86=)

Gene: KCTD7 (potassium channel tetramerization domain containing 7; plus strand). Cytogenetic location: 7q11.21.
Variant type: single nucleotide variant.
Coding change: c.258C>T on transcript NM_153033.5 (MANE Select); coding-DNA position 258, C replaced by T.
Protein change: p.Tyr86=; no amino-acid change (tyrosine 86 retained).
Molecular consequence: synonymous variant.
Genome position (GRCh38, 1-based): chr7:66,633,388, C>T. VCF-style: chr7-66633388-C-T. GRCh37 (hg19) VCF-style: chr7-66098375-C-T.
Other names: c.258C>T, p.Tyr86= (NM_001167961.2); c.258C>T (NM_153033.4).
Identifiers: ClinVar variation 1612944 (VCV001612944.9), dbSNP rs749010969, ClinGen allele CA4278213.